The following is an entry in ClinVar:

ClinVar aggregate classification (germline): Uncertain significance (1 of 4 stars; one submission).

Conditions:
CNOT1-related disorder. Also called: CNOT1-related condition.

gnomAD v4.1: 7 of 1,610,642 alleles (0.00043%); highest among the groups gnomAD compares: Non-Finnish European, 0.00059%; no homozygotes.

Submission:

PreventionGenetics, part of Exact Sciences
Classification: Uncertain significance for CNOT1-related condition. Last evaluated: 2025-11-03. Review status: criteria provided, single submitter. Criteria: ACMG Guidelines, 2015. Collection method: clinical testing. Allele origin: germline.
Comment: The CNOT1 c.626C>T variant is predicted to result in the amino acid substitution p.Thr209Met. To our knowledge, this variant has not been reported in the literature. This variant is reported in 0.0016% of alleles in individuals of European (Non-Finnish) descent in gnomAD. At this time, the clinical significance of this variant is uncertain due to the absence of conclusive functional and genetic evidence.

NM_016284.5(CNOT1):c.626C>T (p.Thr209Met)

Gene: CNOT1 (CCR4-NOT transcription complex subunit 1; minus strand). Cytogenetic location: 16q21.
Variant type: single nucleotide variant.
Coding change: c.626C>T on transcript NM_016284.5 (MANE Select); coding-DNA position 626, C replaced by T.
Protein change: p.Thr209Met; replaces threonine 209 with methionine.
Molecular consequence: missense variant. On other transcripts: non-coding transcript variant (1).
Genome position (GRCh38, 1-based): chr16:58,586,556, G>A on the plus strand (C>T on the coding strand, the complement: CNOT1 is on the minus strand). VCF-style: chr16-58586556-G-A. GRCh37 (hg19) VCF-style: chr16-58620460-G-A.
Other names: c.626C>T, p.Thr209Met (NM_001265612.2, NM_206999.3); short protein forms T209M.
Identifiers: ClinVar variation 4989871 (VCV004989871.1).